The following is an entry in ClinVar:

ClinVar aggregate classification (germline): Likely pathogenic (1 of 4 stars; one submission).

Conditions:
Pelizaeus-Merzbacher disease. Also called: Pelizeaus-Merzbacher spectrum disorder; Sudanophilic leukodystrophy; Pelizaeus-Merzbacher spectrum disorder; Pelizaeus-Merzbacher Disease (PMD); LEUKODYSTROPHY, HYPOMYELINATING, 1. Identifiers: Orphanet 702, MedGen C0205711, MONDO:0010714, OMIM 312080, HP:0003269.

Submission:

Molecular Diagnostics Lab, Nemours Children's Health, Delaware
Classification: Likely pathogenic for Pelizaeus-Merzbacher disease. Last evaluated: 2022-02-25. Review status: criteria provided, single submitter. Criteria: ACMG Guidelines, 2015. Collection method: clinical testing. Allele origin: unknown. Inheritance: X-linked inheritance. Affected: yes. Observed: 1 hemizygote.
Comment: This intronic variant (c.763-1G>T) has not been observed in population databases (gnomAD). It has been described in the literature (PMID 24139698). Splice prediction programs indicate that the change affects the normal splicing pattern of the mRNA, but no functional studies have been reported.

Literature cited by the submitters: PubMed 24139698.

NM_000533.5(PLP1):c.763-1G>T

Genes: PLP1 (proteolipid protein 1; plus strand), RAB9B (RAB9B, member RAS oncogene family; minus strand). Cytogenetic location: Xq22.2.
Variant type: single nucleotide variant.
Coding change: c.763-1G>T on transcript NM_000533.5 (MANE Select); the canonical splice acceptor site of the intron before coding-DNA position 763, G replaced by T.
Molecular consequence: splice acceptor variant.
Genome position (GRCh38, 1-based): chrX:103,790,526, G>T. VCF-style: chrX-103790526-G-T. GRCh37 (hg19) VCF-style: chrX-103045454-G-T.
Other names: c.763-1G>T (NM_001128834.3); c.658-1G>T (NM_199478.3); c.598-1G>T (NM_001305004.1).
Identifiers: ClinVar variation 3362863 (VCV003362863.2).
Genomic context (GRCh38, chrX:103,790,526, plus strand): 5'-TTTGAGGAGGGAGTGCTTTCTTTTCTACTCTCATTCACATTCTCTCTTCTGTTCCCTACA[G>T]CTCACCTTCATGATTGCTGCCACTTACAACTTTGCCGTCCTTAAACTCATGGGCCGAGGC-3'